The following is an entry in ClinVar:

ClinVar aggregate classification (germline): Conflicting classifications of pathogenicity. Review status: criteria provided, conflicting classifications (1 of 4 stars). 10 submissions from 10 submitters: Pathogenic (1); Uncertain significance (2); Likely benign (4). 3 of the submissions do not count toward it. Last evaluated 2026-02-09.

Conditions:
Cardiovascular phenotype. Identifiers: MedGen CN230736.
Coronary heart disease. Identifiers: MedGen C0010068.
Apolipoprotein c-III deficiency. Identifiers: MedGen C3151467, MONDO:0013534, OMIM 614028.
Cholesterol-ester transfer protein deficiency. Identifiers: MedGen C3875011, MONDO:0007744.

Allele frequency attached by ClinVar (database versions not stated): gnomAD 0.00047 and 0.00050; TOPMed 0.00064.
gnomAD v4.1: 836 of 1,613,898 alleles (0.052%); highest among the groups gnomAD compares: Middle Eastern, 1.1%; 13 homozygotes.

Submissions (10):

Ambry Genetics
Classification: Likely benign for Cardiovascular phenotype. Last evaluated: 2026-02-09. Review status: criteria provided, single submitter. Criteria: Ambry Variant Classification Scheme 2023. Collection method: clinical testing. Allele origin: germline.

Labcorp Genetics (formerly Invitae), Labcorp
Classification: Likely benign. Last evaluated: 2026-01-04. Review status: criteria provided, single submitter. Criteria: Invitae Variant Classification Sherloc (09022015). Collection method: clinical testing. Allele origin: germline.

Women's Health and Genetics/Laboratory Corporation of America, LabCorp
Classification: Likely benign. Last evaluated: 2025-06-27. Review status: criteria provided, single submitter. Criteria: LabCorp Variant Classification Summary - May 2015. Collection method: clinical testing. Allele origin: germline.
Comment: Variant summary: APOC3 c.55C>T (p.Arg19X) results in a premature termination codon, predicted to cause a truncation of the encoded protein or absence of the protein due to nonsense mediated decay, which are commonly known mechanisms for disease. Consensus agreement among computation tools predict no significant impact on normal splicing. However, these predictions have yet to be confirmed by functional studies. The variant allele was found at a frequency of 0.00066 in 251004 control chromosomes in the gnomAD database, including 2 homozygotes. The observed variant frequency is approximately 33 fold of the estimated maximal expected allele frequency for a pathogenic variant in APOC3 causing Early Onset Coronary Artery Disease phenotype (2e-05). In one case-control study, this variant was shown to have protective effect against Early Onset Coronary Artery Disease (Crosby_2014). To our knowledge, no experimental evidence demonstrating an impact on protein function has been reported. The following publication have been ascertained in the context of this evaluation (PMID: 24941081). ClinVar contains an entry for this variant (Variation ID: 17904). Based on the evidence outlined above, the variant was classified as likely benign.

Blueprint Genetics
Classification: Likely benign. Last evaluated: 2024-11-25. Review status: criteria provided, single submitter. Criteria: ACMG Guidelines, 2015. Collection method: clinical testing. Allele origin: germline.

Genomic Medicine Center of Excellence, King Faisal Specialist Hospital and Research Centre
Classification: Uncertain significance for Apolipoprotein c-III deficiency. Last evaluated: 2024-03-29. Review status: criteria provided, single submitter. Criteria: ACMG Guidelines, 2015. Collection method: clinical testing. Allele origin: germline.

Department of Pathology and Laboratory Medicine, Sinai Health System
Classification: Uncertain significance for cholesterol-ester transfer protein deficiency. Last evaluated: 2021-07-30. Review status: criteria provided, single submitter. Criteria: ACMG Guidelines, 2015. Collection method: research. Allele origin: germline.

GeneDx
Classification: Pathogenic. Last evaluated: 2015-06-12. Review status: criteria provided, single submitter. Criteria: GeneDx Variant Classification (06012015). Collection method: clinical testing. Allele origin: germline. Affected: yes.
Comment: Carriers of the R19X variant in the APOC3 gene have been reported to have increased high-densitylipoprotein levels and decreased triglyceride levels, as compared to non-carriers. In turn, it has beensuggested that this reduces the risk for heart disease (Crawford et al., 2014; Crosby et al., 2014; Jorgensenet al., 2014). This variant is predicted to cause loss of normal protein function either through proteintruncation or nonsense-mediated mRNA decay. The R19X variant was not observed at any significantfrequency in approximately 6,500 individuals of European and African American ancestry in the NHLBIExome Sequencing Project, indicating it is not a common benign variant in these populations. We interpretR19X as a pathogenic variant.

Falavarjan Branch, Islamic Azad University, , and Biochemistry Lab(Mahdieh Medical Diagnostic Center)
Classification: Pathogenic for Apolipoprotein c-III deficiency. Last evaluated: 2017-03-03. Review status: no assertion criteria provided. Collection method: case-control. Allele origin: not applicable. Inheritance: Genetic anticipation. Not counted in ClinVar's aggregate classification.
Comment: We interpret R19X as a pathogenic variant. Mutation carriers compared with noncarriers had lower fasting and postprandial serum triglycerides, higher levels of HDL cholesterol, and lower levels of LDL cholesterol. Subclinical atherosclerosis, as measured by coronary artery calcification, was less common in carriers than noncarriers, which suggested that lifelong deficiency of apoC-III has a cardioprotective effect.

OMIM
Classification: Pathogenic for APOLIPOPROTEIN C-III DEFICIENCY. Last evaluated: 2014-07-03. Review status: no assertion criteria provided. Collection method: literature only. Allele origin: germline. Not counted in ClinVar's aggregate classification.

ClinVar Staff, National Center for Biotechnology Information (NCBI)
Classification: protective for Coronary heart disease. Last evaluated: 2014-06-18. Review status: no assertion criteria provided. Collection method: literature only. Allele origin: germline. Affected: yes. Not counted in ClinVar's aggregate classification.

Literature cited by the submitters: PubMed 24941081 (cited by 3 submitters); PubMed 19074352 (cited by OMIM); PubMed 24941082 (cited by OMIM); PubMed 28406212 (cited by OMIM).

NM_000040.3(APOC3):c.55C>T (p.Arg19Ter)

Gene: APOC3 (apolipoprotein C3; plus strand). Cytogenetic location: 11q23.3.
Variant type: single nucleotide variant.
Coding change: c.55C>T on transcript NM_000040.3 (MANE Select); coding-DNA position 55, C replaced by T.
Protein change: p.Arg19Ter; replaces arginine 19 with a stop codon.
Molecular consequence: nonsense.
Genome position (GRCh38, 1-based): chr11:116,830,637, C>T. VCF-style: chr11-116830637-C-T. GRCh37 (hg19) VCF-style: chr11-116701353-C-T.
Other names: APOC3, ARG19TER (rs76353203); short protein forms R19*.
Identifiers: ClinVar variation 17904 (VCV000017904.20), dbSNP rs76353203, ClinGen allele CA127531.